The following is an entry in ClinVar:

ClinVar aggregate classification (germline): Uncertain significance (1 of 4 stars; one submission).

Allele frequency attached by ClinVar (database versions not stated): TOPMed below 0.00001; ExAC 0.00001; gnomAD exomes 0.00001.
gnomAD v4.1: 4 of 1,609,600 alleles (0.00025%); highest among the groups gnomAD compares: Admixed American, 0.0068%; no homozygotes.

Submission:

Labcorp Genetics (formerly Invitae), Labcorp
Classification: Uncertain significance. Last evaluated: 2023-07-03. Review status: criteria provided, single submitter. Criteria: Invitae Variant Classification Sherloc (09022015). Collection method: clinical testing. Allele origin: germline.
Comment: This sequence change replaces histidine, which is basic and polar, with glutamine, which is neutral and polar, at codon 1320 of the CPLANE1 protein (p.His1320Gln). This variant is present in population databases (rs767365216, gnomAD 0.009%). This variant has not been reported in the literature in individuals affected with CPLANE1-related conditions. ClinVar contains an entry for this variant (Variation ID: 1395925). Advanced modeling of protein sequence and biophysical properties (such as structural, functional, and spatial information, amino acid conservation, physicochemical variation, residue mobility, and thermodynamic stability) performed at Invitae indicates that this missense variant is not expected to disrupt CPLANE1 protein function. In summary, the available evidence is currently insufficient to determine the role of this variant in disease. Therefore, it has been classified as a Variant of Uncertain Significance.

NM_001384732.1(CPLANE1):c.3960C>G (p.His1320Gln)

Gene: CPLANE1 (ciliogenesis and planar polarity effector complex subunit 1; minus strand). Cytogenetic location: 5p13.2.
Variant type: single nucleotide variant.
Coding change: c.3960C>G on transcript NM_001384732.1 (MANE Select); coding-DNA position 3960, C replaced by G.
Protein change: p.His1320Gln; replaces histidine 1320 with glutamine.
Molecular consequence: missense variant.
Genome position (GRCh38, 1-based): chr5:37,187,534, G>C on the plus strand (C>G on the coding strand, the complement: CPLANE1 is on the minus strand). VCF-style: chr5-37187534-G-C. GRCh37 (hg19) VCF-style: chr5-37187636-G-C.
Other names: c.3960C>G, p.His1320Gln (NM_023073.4); short protein forms H1320Q.
Identifiers: ClinVar variation 1395925 (VCV001395925.6), dbSNP rs767365216, ClinGen allele CA3238815.